The following is an entry in ClinVar:

NM_001165963.4(SCN1A):c.2943del (p.Val982fs)

Gene: SCN1A (sodium voltage-gated channel alpha subunit 1; minus strand). Cytogenetic location: 2q24.3.
Variant type: Deletion.
Coding change: c.2943del on transcript NM_001165963.4 (MANE Select); coding-DNA position 2943, one base deleted (A; older notation c.2943delA).
Protein change: p.Val982fs; shifts the reading frame from valine 982.
Molecular consequence: frameshift variant. On other transcripts: non-coding transcript variant (1).
Genome position (GRCh38, 1-based): chr2:166,037,779, T deleted on the plus strand (A on the coding strand, the reverse complement: SCN1A is on the minus strand). VCF-style (leftmost placement, unchanged base first): chr2-166037778-CT-C. GRCh37 (hg19) VCF-style: chr2-166894288-CT-C.
Other names: c.2910del, p.Val971fs (NM_001353952.2, NM_006920.6, NM_001353949.2 and 2 more transcripts); c.2907del, p.Val970fs (NM_001353954.2, NM_001353955.2); c.2859del, p.Val954fs (NM_001353957.2, NM_001353958.2, NM_001165964.3); c.2856del, p.Val953fs (NM_001353960.2); c.501del, p.Val168fs (NM_001353961.2); c.2943del, p.Val982fs (NM_001202435.3, NM_001353948.2); short protein forms V168fs, V953fs, V954fs, V970fs, V971fs, V982fs.
Identifiers: ClinVar variation 4888042 (VCV004888042.1).

ClinVar aggregate classification (germline): Pathogenic (1 of 4 stars; one submission).

Submission:

GeneDx
Classification: Pathogenic. Last evaluated: 2026-02-09. Review status: criteria provided, single submitter. Criteria: GeneDx Variant Classification Process June 2021. Collection method: clinical testing. Allele origin: germline.
Comment: Frameshift variant predicted to result in protein truncation or nonsense mediated decay in a gene for which loss of function is a known mechanism of disease; Not observed at significant frequency in large population cohorts (gnomAD); This variant is associated with the following publications: (PMID: 35074891, 32090326)